The following is an entry in ClinVar:

ClinVar aggregate classification (germline): Conflicting classifications of pathogenicity. Review status: criteria provided, conflicting classifications (1 of 4 stars). 5 submissions from 5 submitters: Uncertain significance (4); Likely benign (1). Last evaluated 2025-09-12.

Conditions:
Hereditary cancer-predisposing syndrome. Also called: Neoplastic Syndromes, Hereditary; Tumor predisposition; Hereditary neoplastic syndrome; Hereditary Cancer Syndrome. Identifiers: Orphanet 140162, MedGen C0027672, MeSH D009386, MONDO:0015356.
Familial cancer of breast. Also called: BREAST CANCER, FAMILIAL; Hereditary breast cancer; hereditary breast carcinoma. Identifiers: Orphanet 227535, MedGen C0346153, MONDO:0016419, OMIM 114480. Disease mechanism: loss of function.
Ataxia-telangiectasia syndrome (AT). Also called: Cerebello-oculocutaneous telangiectasia; Immunodeficiency with ataxia telangiectasia; Ataxia-telangiectasia; Ataxia telangiectasia (A-T); LOUIS-BAR SYNDROME; Ataxia-telangiectasia, complementation group D. Identifiers: Orphanet 100, MedGen C0004135, MONDO:0008840, OMIM 208900.

Allele frequency attached by ClinVar (database versions not stated): ExAC 0.00002; TOPMed 0.00002; gnomAD 0.00003; 1000 Genomes Project 0.00020; 1000 Genomes Project 30x 0.00031.
gnomAD v4.1: 6 of 1,614,144 alleles (0.00037%); highest among the groups gnomAD compares: African/African-American, 0.0067%; no homozygotes.

Submissions (5):

Labcorp Genetics (formerly Invitae), Labcorp
Classification: Uncertain significance for Ataxia-telangiectasia syndrome. Last evaluated: 2025-09-12. Review status: criteria provided, single submitter. Criteria: Invitae Variant Classification Sherloc (09022015). Collection method: clinical testing. Allele origin: germline.
Comment: This sequence change replaces glycine, which is neutral and non-polar, with alanine, which is neutral and non-polar, at codon 833 of the ATM protein (p.Gly833Ala). This variant is present in population databases (rs552010421, gnomAD 0.02%). This variant has not been reported in the literature in individuals affected with ATM-related conditions. ClinVar contains an entry for this variant (Variation ID: 245955). Invitae Evidence Modeling of protein sequence and biophysical properties (such as structural, functional, and spatial information, amino acid conservation, physicochemical variation, residue mobility, and thermodynamic stability) indicates that this missense variant is not expected to disrupt ATM protein function with a negative predictive value of 95%. In summary, the available evidence is currently insufficient to determine the role of this variant in disease. Therefore, it has been classified as a Variant of Uncertain Significance.

Color Diagnostics, LLC DBA Color Health
Classification: Uncertain significance for Hereditary cancer-predisposing syndrome. Last evaluated: 2025-03-04. Review status: criteria provided, single submitter. Criteria: ACMG Guidelines, 2015. Collection method: clinical testing. Allele origin: germline.
Comment: This missense variant replaces glycine with alanine at codon 833 of the ATM protein. Computational prediction suggests that this variant may not impact protein structure and function. To our knowledge, functional studies have not been reported for this variant. This variant has not been reported in individuals affected with ATM-related disorders in the literature. This variant has been identified in 4/251390 chromosomes in the general population by the Genome Aggregation Database (gnomAD). The available evidence is insufficient to determine the role of this variant in disease conclusively. Therefore, this variant is classified as a Variant of Uncertain Significance.

Ambry Genetics
Classification: Likely benign for Hereditary cancer-predisposing syndrome. Last evaluated: 2024-12-19. Review status: criteria provided, single submitter. Criteria: Ambry Variant Classification Scheme 2023. Collection method: clinical testing. Allele origin: germline.

Baylor Genetics
Classification: Uncertain significance for Familial cancer of breast. Last evaluated: 2024-03-17. Review status: criteria provided, single submitter. Criteria: ACMG Guidelines, 2015. Collection method: clinical testing. Allele origin: unknown.

GeneDx
Classification: Uncertain significance. Last evaluated: 2015-09-26. Review status: criteria provided, single submitter. Criteria: GeneDx Variant Classification (06012015). Collection method: clinical testing. Allele origin: germline. Affected: yes.
Comment: This variant is denoted ATM c.2498G>C at the cDNA level, p.Gly833Ala (G833A) at the protein level, and results in the change of a Glycine to an Alanine (GGA>GCA). This variant has not, to our knowledge, been published in the literature as being pathogenic or benign. ATM Gly833Ala was not observed at a significant allele frequency in 1000 Genomes. Since Glycine and Alanine share similar properties, this is considered a conservative amino acid substitution. ATM Gly833Ala occurs at a position that is not conserved and is not located in a known functional domain (Tavtigian 2009). In silico analyses predict that this variant is unlikely to alter protein structure or function. Based on currently available evidence, it is unclear whether ATM Gly833Ala is pathogenic or benign. We consider it to be a variant of uncertain significance.

NM_000051.4(ATM):c.2498G>C (p.Gly833Ala)

Gene: ATM (ATM serine/threonine kinase; plus strand). Cytogenetic location: 11q22.3.
Variant type: single nucleotide variant.
Coding change: c.2498G>C on transcript NM_000051.4 (MANE Select); coding-DNA position 2498, G replaced by C.
Protein change: p.Gly833Ala; replaces glycine 833 with alanine.
Molecular consequence: missense variant.
Genome position (GRCh38, 1-based): chr11:108,267,202, G>C. VCF-style: chr11-108267202-G-C. GRCh37 (hg19) VCF-style: chr11-108137929-G-C.
Other names: c.2498G>C, p.Gly833Ala (NM_001351834.2); short protein forms G833A.
Identifiers: ClinVar variation 245955 (VCV000245955.20), dbSNP rs552010421, ClinGen allele CA6265051.